The following is an entry in ClinVar:

ClinVar aggregate classification (germline): Conflicting classifications of pathogenicity. Review status: criteria provided, conflicting classifications (1 of 4 stars). 11 submissions from 11 submitters: Uncertain significance (1); Likely benign (9). 1 of the submissions does not count toward it. Last evaluated 2026-01-01.

Conditions:
Hereditary cancer-predisposing syndrome. Also called: Tumor predisposition; Neoplastic Syndromes, Hereditary; Hereditary Cancer Syndrome; Hereditary neoplastic syndrome. Identifiers: Orphanet 140162, MedGen C0027672, MeSH D009386, MONDO:0015356.
Familial adenomatous polyposis 2. Also called: MUTYH Polyposis; ADENOMAS, MULTIPLE COLORECTAL, AUTOSOMAL RECESSIVE; Adenomas, multiple colorectal; MYH-associated polyposis; FAP type 2; MUTYH-related attenuated familial adenomatous polyposis. Identifiers: Orphanet 220460, Orphanet 247798, MedGen C3272841, MONDO:0012041, OMIM 608456.

Allele frequency attached by ClinVar (database versions not stated): gnomAD exomes 0.00006 and 0.00002; ExAC 0.00008; gnomAD 0.00001; TOPMed 0.00001.

Submissions (11):

Labcorp Genetics (formerly Invitae), Labcorp
Classification: Likely benign for Familial adenomatous polyposis 2. Last evaluated: 2026-01-01. Review status: criteria provided, single submitter. Criteria: Invitae Variant Classification Sherloc (09022015). Collection method: clinical testing. Allele origin: germline.

CeGaT Center for Human Genetics Tuebingen
Classification: Likely benign. Last evaluated: 2025-06-01. Review status: criteria provided, single submitter. Criteria: CeGaT Center For Human Genetics Tuebingen Variant Classification Criteria Version 2. Collection method: clinical testing. Allele origin: germline. Affected: yes. Observed: 12 variant alleles.
Comment: MUTYH: BP4

Center for Genomic Medicine, Rigshospitalet, Copenhagen University Hospital
Classification: Likely benign. Last evaluated: 2025-03-04. Review status: criteria provided, single submitter. Criteria: ACMG Guidelines, 2015. Collection method: clinical testing. Allele origin: germline.

Blueprint Genetics
Classification: Likely benign. Last evaluated: 2024-11-08. Review status: criteria provided, single submitter. Criteria: ACMG Guidelines, 2015. Collection method: clinical testing. Allele origin: germline.

All of Us Research Program, National Institutes of Health
Classification: Likely benign for Familial adenomatous polyposis 2. Last evaluated: 2024-01-11. Review status: criteria provided, single submitter. Criteria: ACMG Guidelines, 2015. Collection method: clinical testing. Allele origin: germline. Inheritance: Autosomal recessive inheritance. Observed: 9 variant alleles, 9 heterozygotes.
Comment: This study involves interpretation of variants in research participants for the purpose of population health screening. Participant phenotype was not available at the time of variant classification. Additional details can be found in publication PMID: 35346344, PMCID: PMC8962531

Sema4
Classification: Uncertain significance for Hereditary cancer-predisposing syndrome. Last evaluated: 2021-10-26. Review status: criteria provided, single submitter. Criteria: Sema4 Curation Guidelines. Collection method: curation. Allele origin: germline.
Comment: The MUTYH c.886C>T (p.L296=) variant has not been reported in the literature to our knowledge. It was observed in 7/30616 chromosomes of the South Asian subpopulation in the large and broad cohorts of the Genome Aggregation Database (PMID: 32461654). The variant has been reported in ClinVar (Variation ID: 183965). In silico tools suggest that the affected nucleotide is conserved and that the variant does not affect splicing, though these predictions have not been confirmed by functional studies. The evidence is insufficient to meet ACMG/AMP criteria for classifying the variant as benign or pathogenic. Thus, the clinical significance of this variant is currently uncertain.

GeneDx
Classification: Likely benign. Last evaluated: 2019-03-28. Review status: criteria provided, single submitter. Criteria: GeneDx Variant Classification Process June 2021. Collection method: clinical testing. Allele origin: germline. Affected: yes.

PreventionGenetics, part of Exact Sciences
Classification: Likely benign. Last evaluated: 2018-01-17. Review status: criteria provided, single submitter. Criteria: ACMG Guidelines, 2015. Collection method: clinical testing. Allele origin: germline.

Color Diagnostics, LLC DBA Color Health
Classification: Likely benign for Hereditary cancer-predisposing syndrome. Last evaluated: 2016-12-12. Review status: criteria provided, single submitter. Criteria: ACMG Guidelines, 2015. Collection method: clinical testing. Allele origin: germline.

Ambry Genetics
Classification: Likely benign for Hereditary cancer-predisposing syndrome. Last evaluated: 2014-08-07. Review status: criteria provided, single submitter. Criteria: Ambry Variant Classification Scheme 2023. Collection method: clinical testing. Allele origin: germline.

Counsyl
Classification: Likely benign for Familial adenomatous polyposis 2. Last evaluated: 2016-05-27. Review status: no assertion criteria provided. Collection method: clinical testing. Allele origin: unknown. Not counted in ClinVar's aggregate classification.

NM_001048174.2(MUTYH):c.802C>T (p.Leu268=)

Gene: MUTYH (mutY DNA glycosylase; minus strand). Cytogenetic location: 1p34.1.
Variant type: single nucleotide variant.
Coding change: c.802C>T on transcript NM_001048174.2 (MANE Select); coding-DNA position 802, C replaced by T.
Protein change: p.Leu268=; no amino-acid change (leucine 268 retained).
Molecular consequence: synonymous variant. On other transcripts: non-coding transcript variant (2).
Genome position (GRCh38, 1-based): chr1:45,332,213, G>A on the plus strand (C>T on the coding strand, the complement: MUTYH is on the minus strand). VCF-style: chr1-45332213-G-A. GRCh37 (hg19) VCF-style: chr1-45797885-G-A.
Other names: c.802C>T, p.Leu268= (NM_001048171.2, NM_001048173.2, NM_001293195.2); c.805C>T, p.Leu269= (NM_001048172.2); c.886C>T, p.Leu296= (NM_001128425.2); c.847C>T, p.Leu283= (NM_001293190.2); c.835C>T, p.Leu279= (NM_001293191.2); c.526C>T, p.Leu176= (NM_001293192.2, NM_001293196.2); c.457C>T, p.Leu153= (NM_001350650.2, NM_001350651.2); c.877C>T, p.Leu293= (NM_012222.3).
Identifiers: ClinVar variation 183965 (VCV000183965.62), dbSNP rs778782508, ClinGen allele CA014567.